The following is an entry in ClinVar:

ClinVar aggregate classification (germline): Benign/Likely benign. Review status: criteria provided, multiple submitters, no conflicts (2 of 4 stars). 7 submissions from 7 submitters: Benign (4); Likely benign (3). Last evaluated 2026-02-02.

Conditions:
Congenital myasthenic syndrome 8. Also called: Myasthenic syndrome, congenital, 8, with pre- and postsynaptic defects; MYASTHENIC SYNDROME, CONGENITAL, DUE TO AGRIN DEFICIENCY. Identifiers: Orphanet 590, MedGen C3808739, MONDO:0014052, OMIM 615120.

Allele frequency attached by ClinVar (database versions not stated): ESP Exome Variant Server 0.01815; TOPMed 0.02101; 1000 Genomes Project 0.02736; 1000 Genomes Project 30x 0.02920.

Submissions (7):

Labcorp Genetics (formerly Invitae), Labcorp
Classification: Benign for Congenital myasthenic syndrome 8. Last evaluated: 2026-02-02. Review status: criteria provided, single submitter. Criteria: Invitae Variant Classification Sherloc (09022015). Collection method: clinical testing. Allele origin: germline.

Mayo Clinic Laboratories, Mayo Clinic
Classification: Benign. Last evaluated: 2022-03-23. Review status: criteria provided, single submitter. Criteria: ACMG Guidelines, 2015. Collection method: clinical testing. Allele origin: germline. Observed: 2 variant alleles.

Mendelics
Classification: Likely benign for Congenital myasthenic syndrome 8. Last evaluated: 2019-05-28. Review status: criteria provided, single submitter. Criteria: Mendelics Assertion Criteria 2017. Collection method: clinical testing. Allele origin: unknown.

GeneDx
Classification: Benign. Last evaluated: 2016-12-31. Review status: criteria provided, single submitter. Criteria: GeneDx Variant Classification (06012015). Collection method: clinical testing. Allele origin: germline. Affected: yes.
Comment: This variant is considered likely benign or benign based on one or more of the following criteria: it is a conservative change, it occurs at a poorly conserved position in the protein, it is predicted to be benign by multiple in silico algorithms, and/or has population frequency not consistent with disease.

Genomic Medicine Center of Excellence, King Faisal Specialist Hospital and Research Centre
Classification: Likely benign. Last evaluated: 2016-09-28. Review status: criteria provided, single submitter. Criteria: ACMG Guidelines, 2015. Collection method: research. Allele origin: germline. Affected: yes.

Breakthrough Genomics
Classification: Likely benign. Review status: criteria provided, single submitter. Criteria: ACMG Guidelines, 2015. Collection method: not provided. Allele origin: germline. Inheritance: Autosomal recessive inheritance. Affected: yes.

PreventionGenetics, part of Exact Sciences
Classification: Benign. Review status: criteria provided, single submitter. Criteria: ACMG Guidelines, 2015. Collection method: clinical testing. Allele origin: germline.

NM_198576.4(AGRN):c.2457G>C (p.Gly819=)

Gene: AGRN (agrin; plus strand). Cytogenetic location: 1p36.33.
Variant type: single nucleotide variant.
Coding change: c.2457G>C on transcript NM_198576.4 (MANE Select); coding-DNA position 2457, G replaced by C.
Protein change: p.Gly819=; no amino-acid change (glycine 819 retained).
Molecular consequence: synonymous variant.
Genome position (GRCh38, 1-based): chr1:1,045,444, G>C. VCF-style: chr1-1045444-G-C. GRCh37 (hg19) VCF-style: chr1-980824-G-C.
Other names: p.Gly819=; c.2457G>C, p.Gly819= (NM_001305275.2); c.2142G>C, p.Gly714= (NM_001364727.2).
Identifiers: ClinVar variation 190974 (VCV000190974.14), dbSNP rs112039851, ClinGen allele CA235728.